The following is an entry in ClinVar:

ClinVar aggregate classification (germline): Uncertain significance (1 of 4 stars; one submission).

Conditions:
Intellectual developmental disorder with cardiac defects and dysmorphic facies (IDDCDF). Identifiers: Orphanet 562569, MedGen C5193024, MONDO:0032672, OMIM 618316.

Allele frequency attached by ClinVar (database versions not stated): TOPMed 0.00001.

Submission:

MVZ Martinsried, Medicover Genetics
Classification: Uncertain significance for Intellectual developmental disorder with cardiac defects and dysmorphic facies. Last evaluated: 2025-07-25. Review status: criteria provided, single submitter. Criteria: ClinGen Variant Curation SOP V3.2 + Classification Guidance July2025. Collection method: clinical testing. Allele origin: inherited. Affected: yes. Observed: 1 homozygote.
Comment: PM2_Supporting, PM3_Supporting, PP2, PP3

NM_014738.6(TMEM94):c.4063C>T (p.Pro1355Ser)

Gene: TMEM94 (transmembrane protein 94; plus strand). Cytogenetic location: 17q25.1.
Variant type: single nucleotide variant.
Coding change: c.4063C>T on transcript NM_014738.6 (MANE Select); coding-DNA position 4063, C replaced by T.
Protein change: p.Pro1355Ser; replaces proline 1355 with serine.
Molecular consequence: missense variant.
Genome position (GRCh38, 1-based): chr17:75,499,326, C>T. VCF-style: chr17-75499326-C-T. GRCh37 (hg19) VCF-style: chr17-73495407-C-T.
Other names: c.4093C>T, p.Pro1365Ser (NM_001321148.2); c.4075C>T, p.Pro1359Ser (NM_001321149.2); c.4015C>T, p.Pro1339Ser (NM_001351202.2); c.4090C>T, p.Pro1364Ser (NM_001351203.2); short protein forms P1339S, P1355S, P1359S, P1364S, P1365S.
Identifiers: ClinVar variation 2573090 (VCV002573090.2), dbSNP rs2053087876, ClinGen allele CA401018763.